The following is an entry in ClinVar:

ClinVar aggregate classification (germline): Pathogenic. Review status: criteria provided, multiple submitters, no conflicts (2 of 4 stars). 3 submissions from 3 submitters: Pathogenic (2). 1 of the submissions does not count toward it. Last evaluated 2025-02-26.

Conditions:
Familial long QT syndrome (RWS). Also called: Congenital long QT syndrome; Romano-Ward syndrome; VENTRICULAR FIBRILLATION WITH PROLONGED QT INTERVAL. Identifiers: Orphanet 768, MedGen C1141890, MONDO:0019171.
Long QT syndrome 1 (LQT1). Identifiers: Orphanet 101016, Orphanet 768, MedGen C4551647, MONDO:0100316, OMIM 192500, MONDO:0008646.

Submissions (3):

GeneDx
Classification: Pathogenic. Last evaluated: 2025-02-26. Review status: criteria provided, single submitter. Criteria: GeneDx Variant Classification Process June 2021. Collection method: clinical testing. Allele origin: germline.
Comment: Identified in patients with LQTS in published literature (PMID: 22727609, 14678125, 17470695, 19490272, 19716085); Not observed at significant frequency in large population cohorts (gnomAD); Published functional studies demonstrate a dominant negative effect (PMID: 11351021, 10376919); In silico analysis supports that this missense variant has a deleterious effect on protein structure/function; This variant is associated with the following publications: (PMID: 19716085, 22456477, 15234419, 17470695, 19490272, 22727609, 32431610, 10376919, 11351021, 14678125)

Petrovsky National Research Centre of Surgery, The Federal Agency for Scientific Organizations
Classification: Pathogenic for Long QT syndrome 1. Last evaluated: 2022-11-03. Review status: criteria provided, single submitter. Criteria: ACMG Guidelines, 2015. Collection method: clinical testing. Allele origin: germline. Inheritance: Autosomal dominant inheritance. Affected: yes. Observed: 1 heterozygote.
Comment: This variant is not present in gnomAD database and located in a mutational hot spot and/or critical and well-established functional domain (PM1_strong according to Walsh R. et al. (PMID: 32893267). Multiple computational resources predict deleterious effect of p.Gly306Arg genetic variant. An alternative genetic variant c.916G>A (p.Gly306Arg) has been reported as pathogenic and associated with Long QT syndrome. Based on this evidence, we consider it to classify the c.916G>C (p.Gly306Arg) variant as Pathogenic.

Cardiovascular Biomedical Research Unit, Royal Brompton & Harefield NHS Foundation Trust
No classification provided. Condition: Familial long QT syndrome. Review status: no classification provided. Collection method: literature only. Allele origin: germline. Not counted in ClinVar's aggregate classification.
Comment: This variant has been reported as associated with Long QT syndrome in the following publications (PMID:19716085;PMID:10376919;PMID:11351021). This is a literature report, and does not necessarily reflect the clinical interpretation of the Imperial College / Royal Brompton Cardiovascular Genetics laboratory.

Literature cited by the submitters: PubMed 19716085 (cited by Cardiovascular Biomedical Research Unit, Royal Brompton & Harefield NHS Foundation Trust); PubMed 10376919 (cited by Cardiovascular Biomedical Research Unit, Royal Brompton & Harefield NHS Foundation Trust); PubMed 11351021 (cited by Cardiovascular Biomedical Research Unit, Royal Brompton & Harefield NHS Foundation Trust); PubMed 22581653 (cited by Cardiovascular Biomedical Research Unit, Royal Brompton & Harefield NHS Foundation Trust).

NM_000218.3(KCNQ1):c.916G>C (p.Gly306Arg)

Gene: KCNQ1 (potassium voltage-gated channel subfamily Q member 1; plus strand). Cytogenetic location: 11p15.5.
Variant type: single nucleotide variant.
Coding change: c.916G>C on transcript NM_000218.3 (MANE Select); coding-DNA position 916, G replaced by C.
Protein change: p.Gly306Arg; replaces glycine 306 with arginine.
Molecular consequence: missense variant.
Genome position (GRCh38, 1-based): chr11:2,572,981, G>C. VCF-style: chr11-2572981-G-C. GRCh37 (hg19) VCF-style: chr11-2594211-G-C.
Other names: c.916G>C (LRG_287t1); c.916G>C, p.Gly306Arg (NM_001406836.1); c.646G>C, p.Gly216Arg (NM_001406837.1); c.535G>C, p.Gly179Arg (NM_181798.2); short protein forms G306R, G179R, G216R.
Identifiers: ClinVar variation 67123 (VCV000067123.7), dbSNP rs120074181, ClinGen allele CA008640.